The following is an entry in ClinVar:

NM_001271938.2(MEGF8):c.6971G>A (p.Gly2324Glu)

Gene: MEGF8 (multiple EGF like domains 8; plus strand). Cytogenetic location: 19q13.2.
Variant type: single nucleotide variant.
Coding change: c.6971G>A on transcript NM_001271938.2 (MANE Select); coding-DNA position 6971, G replaced by A.
Protein change: p.Gly2324Glu; replaces glycine 2324 with glutamic acid.
Molecular consequence: missense variant.
Genome position (GRCh38, 1-based): chr19:42,370,325, G>A. VCF-style: chr19-42370325-G-A. GRCh37 (hg19) VCF-style: chr19-42874477-G-A.
Other names: c.6770G>A, p.Gly2257Glu (NM_001410.3); short protein forms G2257E, G2324E.
Identifiers: ClinVar variation 3898865 (VCV003898865.2).

ClinVar aggregate classification (germline): Uncertain significance. Review status: criteria provided, multiple submitters, no conflicts (2 of 4 stars). 2 submissions from 2 submitters: Uncertain significance (2). Last evaluated 2025-08-30.

Conditions:
Inborn genetic diseases. Identifiers: MedGen C0950123, MeSH D030342.

gnomAD v4.1: 369 of 1,601,048 alleles (0.023%); highest among the groups gnomAD compares: Non-Finnish European, 0.029%; no homozygotes.

Submissions (2):

Ambry Genetics
Classification: Uncertain significance for Inborn genetic diseases. Last evaluated: 2025-08-30. Review status: criteria provided, single submitter. Criteria: Ambry Variant Classification Scheme 2023. Collection method: clinical testing. Allele origin: germline.

GeneDx
Classification: Uncertain significance. Last evaluated: 2024-10-31. Review status: criteria provided, single submitter. Criteria: GeneDx Variant Classification Process June 2021. Collection method: clinical testing. Allele origin: germline. Affected: yes.
Comment: In silico analysis indicates that this missense variant does not alter protein structure/function; Has not been previously published as pathogenic or benign to our knowledge